The following is an entry in ClinVar:

NM_018847.4(KLHL9):c.1461C>T (p.Cys487=)

Gene: KLHL9 (kelch like family member 9; minus strand). Cytogenetic location: 9p21.3.
Variant type: single nucleotide variant.
Coding change: c.1461C>T on transcript NM_018847.4 (MANE Select); coding-DNA position 1461, C replaced by T.
Protein change: p.Cys487=; no amino-acid change (cysteine 487 retained).
Molecular consequence: synonymous variant.
Genome position (GRCh38, 1-based): chr9:21,333,399, G>A on the plus strand (C>T on the coding strand, the complement: KLHL9 is on the minus strand). VCF-style: chr9-21333399-G-A. GRCh37 (hg19) VCF-style: chr9-21333398-G-A.
Identifiers: ClinVar variation 2820351 (VCV002820351.3), dbSNP rs758135594, ClinGen allele CA5010512.
Genomic context (GRCh38, chr9:21,333,399, plus strand): 5'-ACTTGTTCCTCTGAAGTGATTGCCACCAATGACATAGAGCTTATCTCCAACTGTACACAT[G>A]CAATGCAGACCTCTGACTGTAGTCATTGGAGCCTTTTGCATCCATTTATCTGTATCTGGG-3'
Protein context (NP_061335.1, residues 477-497): APMTTVRGLH[Cys487=]MCTVGDKLYV

ClinVar aggregate classification (germline): Uncertain significance (1 of 4 stars; one submission).

Allele frequency attached by ClinVar (database versions not stated): ExAC 0.00001; gnomAD exomes 0.00001; TOPMed 0.00001.

Submission:

Labcorp Genetics (formerly Invitae), Labcorp
Classification: Uncertain significance. Last evaluated: 2024-01-05. Review status: criteria provided, single submitter. Criteria: Invitae Variant Classification Sherloc (09022015). Collection method: clinical testing. Allele origin: germline.
Comment: This sequence change affects codon 487 of the KLHL9 mRNA. It is a 'silent' change, meaning that it does not change the encoded amino acid sequence of the KLHL9 protein. This variant is present in population databases (rs758135594, gnomAD 0.0009%). This variant has not been reported in the literature in individuals affected with KLHL9-related conditions. In summary, the available evidence is currently insufficient to determine the role of this variant in disease. Therefore, it has been classified as a Variant of Uncertain Significance.